The following is an entry in ClinVar:

ClinVar aggregate classification (germline): Likely benign. Review status: criteria provided, multiple submitters, no conflicts (2 of 4 stars). 3 submissions from 3 submitters: Likely benign (3). Last evaluated 2025-12-19.

Conditions:
ARID1B-Related Disorder. Identifiers: MedGen CN381337.
Inborn genetic diseases. Identifiers: MedGen C0950123, MeSH D030342.

Allele frequency attached by ClinVar (database versions not stated): gnomAD 0.00001; TOPMed 0.00001; gnomAD exomes 0.00008; 1000 Genomes Project 30x 0.00016; ExAC 0.00017; 1000 Genomes Project 0.00020.

Submissions (3):

PreventionGenetics, part of Exact Sciences
Classification: Likely benign for ARID1B-related condition. Last evaluated: 2025-12-19. Review status: criteria provided, single submitter. Criteria: ACMG Guidelines, 2015. Collection method: clinical testing. Allele origin: germline.
Comment: This variant is classified as likely benign based on ACMG/AMP sequence variant interpretation guidelines (Richards et al. 2015 PMID: 25741868, with internal and published modifications).

Ambry Genetics
Classification: Likely benign for Inborn genetic diseases. Last evaluated: 2024-09-01. Review status: criteria provided, single submitter. Criteria: Ambry Variant Classification Scheme 2023. Collection method: clinical testing. Allele origin: germline.

Labcorp Genetics (formerly Invitae), Labcorp
Classification: Likely benign. Last evaluated: 2022-02-20. Review status: criteria provided, single submitter. Criteria: Invitae Variant Classification Sherloc (09022015). Collection method: clinical testing. Allele origin: germline.

NM_001374828.1(ARID1B):c.3207G>A (p.Met1069Ile)

Gene: ARID1B (AT-rich interaction domain 1B; plus strand). Cytogenetic location: 6q25.3.
Variant type: single nucleotide variant.
Coding change: c.3207G>A on transcript NM_001374828.1 (MANE Select); coding-DNA position 3207, G replaced by A.
Protein change: p.Met1069Ile; replaces methionine 1069 with isoleucine.
Molecular consequence: missense variant.
Genome position (GRCh38, 1-based): chr6:157,167,157, G>A. VCF-style: chr6-157167157-G-A. GRCh37 (hg19) VCF-style: chr6-157488291-G-A.
Other names: c.2958G>A, p.Met986Ile (NM_001346813.1); c.708G>A, p.Met236Ile (NM_001363725.2); c.3246G>A, p.Met1082Ile (NM_001371656.1, NM_001374820.1); c.3207G>A, p.Met1069Ile (NM_017519.3); c.2997G>A, p.Met999Ile (NM_020732.3); c.2784G>A, p.Met928Ile (NM_175863.2); short protein forms M928I, M999I, M1082I, M236I, M1069I, M986I.
Identifiers: ClinVar variation 1798587 (VCV001798587.9), dbSNP rs566567531, ClinGen allele CA4067228.
Genomic context (GRCh38, chr6:157,167,157, plus strand): 5'-CAGCCAGCCCATGAACAACAGCTCTAGCCTGATGAACACGCAGGCGCCGCCCTACAGCAT[G>A]GCGCCCGCCATGGTGAACAGCTCGGCAGGTAACCTTGGCAGCTCTGCGCTCCTGAGCCCC-3'
Protein context (NP_001361757.1, residues 1059-1079): LMNTQAPPYS[Met1069Ile]APAMVNSSAA